The following is an entry in ClinVar:

NM_000548.5(TSC2):c.4868C>G (p.Thr1623Ser)

Gene: TSC2 (TSC complex subunit 2; plus strand). Cytogenetic location: 16p13.3.
Variant type: single nucleotide variant.
Coding change: c.4868C>G on transcript NM_000548.5 (MANE Select); coding-DNA position 4868, C replaced by G.
Protein change: p.Thr1623Ser; replaces threonine 1623 with serine.
Molecular consequence: missense variant.
Genome position (GRCh38, 1-based): chr16:2,086,750, C>G. VCF-style: chr16-2086750-C-G. GRCh37 (hg19) VCF-style: chr16-2136751-C-G.
Other names: c.4868C>G (NM_000548.3, NM_000548.4); c.4667C>G, p.Thr1556Ser (NM_001077183.3); c.4799C>G, p.Thr1600Ser (NM_001114382.3); c.4559C>G, p.Thr1520Ser (NM_001318827.2); c.4523C>G, p.Thr1508Ser (NM_001318829.2); c.4136C>G, p.Thr1379Ser (NM_001318831.2); c.4700C>G, p.Thr1567Ser (NM_001318832.2); c.4670C>G, p.Thr1557Ser (NM_001363528.2); and 2 more; short protein forms T1379S, T1623S, T1508S, T1557S, T1580S, T1600S, T1520S, T1556S.
Identifiers: ClinVar variation 1415786 (VCV001415786.11), dbSNP rs397515220, ClinGen allele CA394308289.

ClinVar aggregate classification (germline): Uncertain significance. Review status: criteria provided, multiple submitters, no conflicts (2 of 4 stars). 3 submissions from 3 submitters: Uncertain significance (3). Last evaluated 2025-05-08.

Conditions:
Hereditary cancer-predisposing syndrome. Also called: Hereditary neoplastic syndrome; Neoplastic Syndromes, Hereditary; Hereditary Cancer Syndrome; Tumor predisposition. Identifiers: Orphanet 140162, MedGen C0027672, MeSH D009386, MONDO:0015356.
TSC2-related disorder. Also called: TSC2-Related Disorders; TSC2-related condition.
Tuberous sclerosis 2 (TSC2). Identifiers: Orphanet 805, MedGen C1860707, MONDO:0013199, OMIM 613254.

Allele frequency attached by ClinVar (database versions not stated): gnomAD exomes below 0.00001; gnomAD 0.00001.
gnomAD v4.1: 3 of 1,610,798 alleles (0.00019%); highest among the groups gnomAD compares: South Asian, 0.0011%; no homozygotes.

Submissions (3):

Ambry Genetics
Classification: Uncertain significance for Hereditary cancer-predisposing syndrome. Last evaluated: 2025-05-08. Review status: criteria provided, single submitter. Criteria: Ambry Variant Classification Scheme 2023. Collection method: clinical testing. Allele origin: germline.
Comment: The p.T1623S variant (also known as c.4868C>G), located in coding exon 37 of the TSC2 gene, results from a C to G substitution at nucleotide position 4868. The threonine at codon 1623 is replaced by serine, an amino acid with similar properties. This amino acid position is highly conserved in available vertebrate species. In addition, this alteration is predicted to be deleterious by in silico analysis. This nucleotide position is highly conserved in available vertebrate species. In silico splice site analysis predicts that this alteration will result in the creation or strengthening of a novel splice acceptor site. RNA studies have demonstrated that this alteration results in an incomplete splice defect; the clinical impact of this abnormal splicing is unknown at this time (Ambry internal data). Since supporting evidence is limited at this time, the clinical significance of this alteration remains unclear.

Labcorp Genetics (formerly Invitae), Labcorp
Classification: Uncertain significance for Tuberous sclerosis 2. Last evaluated: 2023-07-19. Review status: criteria provided, single submitter. Criteria: Invitae Variant Classification Sherloc (09022015). Collection method: clinical testing. Allele origin: germline.
Comment: In summary, the available evidence is currently insufficient to determine the role of this variant in disease. Therefore, it has been classified as a Variant of Uncertain Significance. This sequence change replaces threonine, which is neutral and polar, with serine, which is neutral and polar, at codon 1623 of the TSC2 protein (p.Thr1623Ser). This variant is present in population databases (no rsID available, gnomAD 0.007%). This variant has not been reported in the literature in individuals affected with TSC2-related conditions. ClinVar contains an entry for this variant (Variation ID: 1415786). Advanced modeling of protein sequence and biophysical properties (such as structural, functional, and spatial information, amino acid conservation, physicochemical variation, residue mobility, and thermodynamic stability) has been performed at Invitae for this missense variant, however the output from this modeling did not meet the statistical confidence thresholds required to predict the impact of this variant on TSC2 protein function. Algorithms developed to predict the effect of sequence changes on RNA splicing suggest that this variant may disrupt the consensus splice site.

PreventionGenetics, part of Exact Sciences
Classification: Uncertain significance for TSC2-related condition. Last evaluated: 2023-05-23. Review status: criteria provided, single submitter. Criteria: ACMG Guidelines, 2015. Collection method: clinical testing. Allele origin: germline.
Comment: The TSC2 c.4868C>G variant is predicted to result in the amino acid substitution p.Thr1623Ser. To our knowledge, this variant has not been reported in the literature. This variant is reported in 1 of ~31,000 alleles in gnomAD. It is interpreted as uncertain significance in ClinVar. At this time, the clinical significance of this variant is uncertain due to the absence of conclusive functional and genetic evidence.